The following is an entry in ClinVar:

ClinVar aggregate classification (germline): Uncertain significance. Review status: criteria provided, multiple submitters, no conflicts (2 of 4 stars). 3 submissions from 3 submitters: Uncertain significance (3). Last evaluated 2025-06-22.

Conditions:
Acrocallosal syndrome (ACLS). Also called: Schinzel syndrome 1; Absence of corpus callosum with unusual facial appearance, mental deficiency, duplication of the halluces and polydactyly; HALLUX DUPLICATION, POSTAXIAL POLYDACTYLY, AND ABSENCE OF CORPUS CALLOSUM. Identifiers: Orphanet 36, MedGen C0796147, MONDO:0008708, OMIM 200990.

Allele frequency attached by ClinVar (database versions not stated): ExAC 0.00010.
gnomAD v4.1: 27 of 1,551,584 alleles (0.0017%); highest among the groups gnomAD compares: South Asian, 0.019%; no homozygotes.

Submissions (3):

Labcorp Genetics (formerly Invitae), Labcorp
Classification: Uncertain significance for Acrocallosal syndrome. Last evaluated: 2025-06-22. Review status: criteria provided, single submitter. Criteria: Invitae Variant Classification Sherloc (09022015). Collection method: clinical testing. Allele origin: germline.
Comment: This sequence change replaces valine, which is neutral and non-polar, with methionine, which is neutral and non-polar, at codon 59 of the KIF7 protein (p.Val59Met). This variant is present in population databases (rs369404071, gnomAD 0.009%). This variant has not been reported in the literature in individuals affected with KIF7-related conditions. ClinVar contains an entry for this variant (Variation ID: 1306317). Invitae Evidence Modeling of protein sequence and biophysical properties (such as structural, functional, and spatial information, amino acid conservation, physicochemical variation, residue mobility, and thermodynamic stability) indicates that this missense variant is not expected to disrupt KIF7 protein function with a negative predictive value of 80%. In summary, the available evidence is currently insufficient to determine the role of this variant in disease. Therefore, it has been classified as a Variant of Uncertain Significance.

Blueprint Genetics
Classification: Uncertain significance. Last evaluated: 2021-09-01. Review status: criteria provided, single submitter. Criteria: ACMG Guidelines, 2015. Collection method: clinical testing. Allele origin: germline.

GeneDx
Classification: Uncertain significance. Last evaluated: 2019-06-10. Review status: criteria provided, single submitter. Criteria: GeneDx Variant Classification Process June 2021. Collection method: clinical testing. Allele origin: germline. Affected: yes.
Comment: Not observed at a significant frequency in large population cohorts (Lek et al., 2016); In silico analysis, which includes protein predictors and evolutionary conservation, supports that this variant does not alter protein structure/function; Has not been previously published as pathogenic or benign to our knowledge

NM_198525.3(KIF7):c.175G>A (p.Val59Met)

Gene: KIF7 (kinesin family member 7; minus strand). Cytogenetic location: 15q26.1.
Variant type: single nucleotide variant.
Coding change: c.175G>A on transcript NM_198525.3 (MANE Select); coding-DNA position 175, G replaced by A.
Protein change: p.Val59Met; replaces valine 59 with methionine.
Molecular consequence: missense variant.
Genome position (GRCh38, 1-based): chr15:89,652,756, C>T on the plus strand (G>A on the coding strand, the complement: KIF7 is on the minus strand). VCF-style: chr15-89652756-C-T. GRCh37 (hg19) VCF-style: chr15-90195987-C-T.
Other names: short protein forms V59M.
Identifiers: ClinVar variation 1306317 (VCV001306317.10), dbSNP rs369404071, ClinGen allele CA7728679.